The following is an entry in ClinVar:

ClinVar aggregate classification (germline): Conflicting classifications of pathogenicity. Review status: criteria provided, conflicting classifications (1 of 4 stars). 8 submissions from 8 submitters: Uncertain significance (5); Likely benign (2). 1 of the submissions does not count toward it. Last evaluated 2025-09-02.

Conditions:
Hearing impairment. Also called: Impaired Hearing. Identifiers: MedGen C1384666, MONDO:0005365, HP:0000365.
Autosomal dominant nonsyndromic hearing loss 5. Identifiers: Orphanet 90635, MedGen C1832932, MONDO:0010973, OMIM 600994.
Inborn genetic diseases. Identifiers: MedGen C0950123, MeSH D030342.

Allele frequency attached by ClinVar (database versions not stated): gnomAD 0.00003; TOPMed 0.00010; ESP Exome Variant Server 0.00015.
gnomAD v4.1: 110 of 1,612,258 alleles (0.0068%); highest among the groups gnomAD compares: Non-Finnish European, 0.0082%; no homozygotes.

Submissions (8):

Labcorp Genetics (formerly Invitae), Labcorp
Classification: Uncertain significance. Last evaluated: 2025-09-02. Review status: criteria provided, single submitter. Criteria: Invitae Variant Classification Sherloc (09022015). Collection method: clinical testing. Allele origin: germline.
Comment: This sequence change replaces aspartic acid, which is acidic and polar, with valine, which is neutral and non-polar, at codon 204 of the DFNA5 protein (p.Asp204Val). This variant is present in population databases (rs376564087, gnomAD 0.02%). This variant has not been reported in the literature in individuals affected with DFNA5-related conditions. ClinVar contains an entry for this variant (Variation ID: 359850). Invitae Evidence Modeling of protein sequence and biophysical properties (such as structural, functional, and spatial information, amino acid conservation, physicochemical variation, residue mobility, and thermodynamic stability) indicates that this missense variant is expected to disrupt DFNA5 protein function with a positive predictive value of 80%. In summary, the available evidence is currently insufficient to determine the role of this variant in disease. Therefore, it has been classified as a Variant of Uncertain Significance.

Women's Health and Genetics/Laboratory Corporation of America, LabCorp
Classification: Uncertain significance. Last evaluated: 2025-07-21. Review status: criteria provided, single submitter. Criteria: LabCorp Variant Classification Summary - May 2015. Collection method: clinical testing. Allele origin: germline.
Comment: Variant summary: GSDME c.611A>T (p.Asp204Val) results in a non-conservative amino acid change in the encoded protein sequence. Algorithms developed to predict the effect of missense changes on protein structure and function are either unavailable or do not agree on the potential impact of this missense change. The variant was absent in 251408 control chromosomes. The available data on variant occurrences in the general population are insufficient to allow any conclusion about variant significance. c.611A>T has been observed in at least one individual affected with Hearing Loss (Shearer_2013). This report does not provide unequivocal conclusions about association of the variant with Autosomal Dominant Nonsyndromic Hearing Loss 5. To our knowledge, no experimental evidence demonstrating an impact on protein function has been reported. The following publication has been ascertained in the context of this evaluation (PMID: 23804846). ClinVar contains an entry for this variant (Variation ID: 359850). Based on the evidence outlined above, the variant was classified as uncertain significance.

CeGaT Center for Human Genetics Tuebingen
Classification: Likely benign. Last evaluated: 2025-05-01. Review status: criteria provided, single submitter. Criteria: CeGaT Center For Human Genetics Tuebingen Variant Classification Criteria Version 2. Collection method: clinical testing. Allele origin: germline. Affected: yes. Observed: 1 variant allele.
Comment: GSDME: BP4

Ambry Genetics
Classification: Uncertain significance for Inborn genetic diseases. Last evaluated: 2025-02-19. Review status: criteria provided, single submitter. Criteria: Ambry Variant Classification Scheme 2023. Collection method: clinical testing. Allele origin: germline.

Department of Otolaryngology – Head & Neck Surgery, Cochlear Implant Center
Classification: Uncertain significance for Hearing impairment. Last evaluated: 2021-04-12. Review status: criteria provided, single submitter. Criteria: ClinGen HL ACMG Specifications v1. Collection method: clinical testing. Allele origin: germline. Affected: yes.
Comment: PP3_Supporting, BS2_Strong

GeneDx
Classification: Likely benign. Last evaluated: 2020-01-09. Review status: criteria provided, single submitter. Criteria: GeneDx Variant Classification Process June 2021. Collection method: clinical testing. Allele origin: germline. Affected: yes.
Comment: In silico analysis, which includes protein predictors and evolutionary conservation, supports a deleterious effect; Has not been previously published as pathogenic or benign to our knowledge

Illumina Laboratory Services, Illumina
Classification: Uncertain significance for Autosomal dominant nonsyndromic hearing loss 5. Last evaluated: 2018-01-13. Review status: criteria provided, single submitter. Criteria: ICSL Variant Classification Criteria 13 December 2019. Collection method: clinical testing. Allele origin: germline.

Department of Pathology and Laboratory Medicine, Sinai Health System
Classification: Uncertain significance. Review status: no assertion criteria provided. Collection method: clinical testing. Allele origin: unknown. Affected: yes. Study: The Canadian Open Genetics Repository (COGR). Not counted in ClinVar's aggregate classification.
Comment: The DFNA5 p.(Asp40Val) variant was not identified in the literature nor was it identified in LOVD 3.0. The variant was identified in dbSNP (ID: rs376564087) and ClinVar (classified as uncertain significance by Illumina). The variant was identified in control databases in 18 of 282680 chromosomes at a frequency of 0.00006368 (Genome Aggregation Database March 6, 2019, v2.1.1). The variant was observed in the following populations: European (Finnish) in 4 of 25114 chromosomes (freq: 0.000159) and European (non-Finnish) in 14 of 129056 chromosomes (freq: 0.000109), but was not observed in the African, Latino, Ashkenazi Jewish, East Asian, Other, or South Asian populations. Although the p.Asp40 residue is not conserved in mammals and other organisms, computational analyses (PolyPhen-2, SIFT, AlignGVGD, BLOSUM, MutationTaster) suggest that the variant may impact the protein. The variant occurs outside of the splicing consensus sequence and in silico or computational prediction software programs (SpliceSiteFinder, MaxEntScan, NNSPLICE, GeneSplicer) do not predict a difference in splicing. In summary, based on the above information the clinical significance of this variant cannot be determined with certainty at this time. This variant is classified as a variant of uncertain significance.

Literature cited by the submitters: PubMed 23804846 (cited by Women's Health and Genetics/Laboratory Corporation of America, LabCorp).

NM_001127453.2(GSDME):c.611A>T (p.Asp204Val)

Gene: GSDME (gasdermin E; minus strand). Cytogenetic location: 7p15.3.
Variant type: single nucleotide variant.
Coding change: c.611A>T on transcript NM_001127453.2 (MANE Select); coding-DNA position 611, A replaced by T.
Protein change: p.Asp204Val; replaces aspartic acid 204 with valine.
Molecular consequence: missense variant.
Genome position (GRCh38, 1-based): chr7:24,717,340, T>A on the plus strand (A>T on the coding strand, the complement: GSDME is on the minus strand). VCF-style: chr7-24717340-T-A. GRCh37 (hg19) VCF-style: chr7-24756959-T-A.
Other names: c.119A>T, p.Asp40Val (NM_001127454.2); c.611A>T, p.Asp204Val (NM_004403.3); short protein forms D204V, D40V.
Identifiers: ClinVar variation 359850 (VCV000359850.29), dbSNP rs376564087, ClinGen allele CA4191671.